The following is an entry in ClinVar:

ClinVar aggregate classification (germline): Conflicting classifications of pathogenicity. Review status: criteria provided, conflicting classifications (1 of 4 stars). 4 submissions from 4 submitters: Uncertain significance (3); Benign (1). Last evaluated 2025-11-05.

Conditions:
Hereditary cancer-predisposing syndrome. Also called: Hereditary neoplastic syndrome; Neoplastic Syndromes, Hereditary; Tumor predisposition; Hereditary Cancer Syndrome. Identifiers: Orphanet 140162, MedGen C0027672, MeSH D009386, MONDO:0015356.
Tuberous sclerosis 2 (TSC2). Identifiers: Orphanet 805, MedGen C1860707, MONDO:0013199, OMIM 613254.
Tuberous sclerosis syndrome (TSC). Also called: Tuberous Sclerosis Complex; Tuberous sclerosis. Identifiers: Orphanet 805, MedGen C0041341, MONDO:0001734.

Allele frequency attached by ClinVar (database versions not stated): gnomAD exomes below 0.00001.
gnomAD v4.1: 3 of 1,614,038 alleles (0.00019%); highest among the groups gnomAD compares: African/African-American, 0.0013%; no homozygotes.

Submissions (4):

Ambry Genetics
Classification: Uncertain significance for Hereditary cancer-predisposing syndrome. Last evaluated: 2025-11-05. Review status: criteria provided, single submitter. Criteria: Ambry Variant Classification Scheme 2023. Collection method: clinical testing. Allele origin: germline.
Comment: The p.T41I variant (also known as c.122C>T), located in coding exon 1 of the TSC2 gene, results from a C to T substitution at nucleotide position 122. The threonine at codon 41 is replaced by isoleucine, an amino acid with similar properties. This amino acid position is highly conserved in available vertebrate species. In addition, this alteration is predicted to be deleterious by in silico analysis. Since supporting evidence is limited at this time, the clinical significance of this alteration remains unclear.

Color Diagnostics, LLC DBA Color Health
Classification: Uncertain significance for Tuberous sclerosis syndrome. Last evaluated: 2025-07-07. Review status: criteria provided, single submitter. Criteria: ACMG Guidelines, 2015. Collection method: clinical testing. Allele origin: germline.
Comment: This missense variant replaces threonine with isoleucine at codon 41 of the TSC2 protein. Computational prediction suggests that this variant may not impact protein structure and function. To our knowledge, functional studies have not been reported for this variant. This variant has not been reported in individuals affected with TSC2-related disorders in the literature. This variant has been identified in 1/251250 chromosomes in the general population by the Genome Aggregation Database (gnomAD). The available evidence is insufficient to determine the role of this variant in disease conclusively. Therefore, this variant is classified as a Variant of Uncertain Significance.

Quest Diagnostics Nichols Institute San Juan Capistrano
Classification: Uncertain significance. Last evaluated: 2024-10-24. Review status: criteria provided, single submitter. Criteria: Quest Diagnostics criteria. Collection method: clinical testing. Allele origin: unknown.
Comment: The TSC2 c.122C>T (p.Thr41Ile) variant has not been reported in individuals with TSC2-related conditions in the published literature. The frequency of this variant in the general population, 0.000004 (1/251250 chromosomes (Genome Aggregation Database)), is uninformative in the assessment of its pathogenicity. Analysis of this variant using bioinformatics tools for the prediction of the effect of amino acid changes on protein structure and function yielded conflicting predictions that this variant is benign or damaging. Based on the available information, we are unable to determine the clinical significance of this variant.

Labcorp Genetics (formerly Invitae), Labcorp
Classification: Benign for Tuberous sclerosis 2. Last evaluated: 2024-10-06. Review status: criteria provided, single submitter. Criteria: Invitae Variant Classification Sherloc (09022015). Collection method: clinical testing. Allele origin: germline.

NM_000548.5(TSC2):c.122C>T (p.Thr41Ile)

Gene: TSC2 (TSC complex subunit 2; plus strand). Cytogenetic location: 16p13.3.
Variant type: single nucleotide variant.
Coding change: c.122C>T on transcript NM_000548.5 (MANE Select); coding-DNA position 122, C replaced by T.
Protein change: p.Thr41Ile; replaces threonine 41 with isoleucine.
Molecular consequence: missense variant. On other transcripts: 5 prime UTR variant (1), intron variant (1).
Genome position (GRCh38, 1-based): chr16:2,048,737, C>T. VCF-style: chr16-2048737-C-T. GRCh37 (hg19) VCF-style: chr16-2098738-C-T.
Other names: c.122C>T, p.Thr41Ile (NM_001077183.3, NM_001114382.3, NM_001318827.2 and 4 more transcripts); c.-105C>T (NM_001318831.2); c.155C>T, p.Thr52Ile (NM_001318832.2); c.-10+672C>T (NM_001318829.2); short protein forms T52I, T41I.
Identifiers: ClinVar variation 1043681 (VCV001043681.13), dbSNP rs1385450866, ClinGen allele CA394301702.
Genomic context (GRCh38, chr16:2,048,737, plus strand): 5'-TGGGAACACCGAGGCCAAATCCCAGGTCTGCAGAGGGTAAACAGACGGAGTTTATCATCA[C>T]CGCGGAAATACTGAGAGTGAGTGAGCTACCTGTGTCTTTGCTAGGCTAGAGGGAAATGCA-3'
Protein context (NP_000539.2, residues 31-51): AEGKQTEFII[Thr41Ile]AEILRELSME